The following is an entry in ClinVar:

NM_018685.5(ANLN):c.3057T>C (p.Tyr1019=)

Gene: ANLN (anillin, actin binding protein; plus strand). Cytogenetic location: 7p14.2.
Variant type: single nucleotide variant.
Coding change: c.3057T>C on transcript NM_018685.5 (MANE Select); coding-DNA position 3057, T replaced by C.
Protein change: p.Tyr1019=; no amino-acid change (tyrosine 1019 retained).
Molecular consequence: synonymous variant.
Genome position (GRCh38, 1-based): chr7:36,443,841, T>C. VCF-style: chr7-36443841-T-C. GRCh37 (hg19) VCF-style: chr7-36483450-T-C.
Other names: c.2946T>C, p.Tyr982= (NM_001284301.3); c.2943T>C, p.Tyr981= (NM_001284302.3).
Identifiers: ClinVar variation 1165031 (VCV001165031.13), dbSNP rs142409771, ClinGen allele CA4220076.

ClinVar aggregate classification (germline): Benign/Likely benign. Review status: criteria provided, multiple submitters, no conflicts (2 of 4 stars). 2 submissions from 2 submitters: Benign (1); Likely benign (1). Last evaluated 2026-01-01.

Allele frequency attached by ClinVar (database versions not stated): gnomAD exomes 0.00002 and 0.00003; ExAC 0.00005; TOPMed 0.00025; gnomAD 0.00027 and 0.00031; ESP Exome Variant Server 0.00038.
gnomAD v4.1: 76 of 1,609,916 alleles (0.0047%); highest among the groups gnomAD compares: African/African-American, 0.096%; no homozygotes.

Submissions (2):

CeGaT Center for Human Genetics Tuebingen
Classification: Likely benign. Last evaluated: 2026-01-01. Review status: criteria provided, single submitter. Criteria: CeGaT Center For Human Genetics Tuebingen Variant Classification Criteria Version 2. Collection method: clinical testing. Allele origin: germline. Affected: yes. Observed: 1 variant allele.
Comment: ANLN: BP4, BP7

Labcorp Genetics (formerly Invitae), Labcorp
Classification: Benign. Last evaluated: 2025-06-12. Review status: criteria provided, single submitter. Criteria: Invitae Variant Classification Sherloc (09022015). Collection method: clinical testing. Allele origin: germline.